The following is an entry in ClinVar:

ClinVar aggregate classification (germline): Pathogenic (0 of 4 stars; one submission).

Conditions:
DZIP1L-related disorder. Also called: DZIP1L-related condition.

Submission:

PreventionGenetics, part of Exact Sciences
Classification: Pathogenic for DZIP1L-related condition. Last evaluated: 2024-04-24. Review status: no assertion criteria provided. Collection method: clinical testing. Allele origin: germline.
Comment: The DZIP1L c.802_805delGATA variant is predicted to result in a frameshift and premature protein termination (p.Asp268Asnfs*2). To our knowledge, this variant has not been reported in the literature or in a large population database, indicating this variant is rare. Frameshift variants in DZIP1L are expected to be pathogenic. This variant is interpreted as pathogenic.

NM_173543.3(DZIP1L):c.802_805del (p.Asp268fs)

Gene: DZIP1L (DAZ interacting zinc finger protein 1 like; minus strand). Cytogenetic location: 3q22.3.
Variant type: Deletion.
Coding change: c.802_805del on transcript NM_173543.3 (MANE Select); coding-DNA positions 802 to 805, 4 bases deleted (GATA; older notation c.802_805delGATA).
Protein change: p.Asp268fs; shifts the reading frame from aspartic acid 268.
Molecular consequence: frameshift variant.
Genome position (GRCh38, 1-based): chr3:138,092,448-138,092,451, TATC deleted on the plus strand (GATA on the coding strand, the reverse complement: DZIP1L is on the minus strand); deleting any 4 consecutive bases within chr3:138,092,448-138,092,454 gives the same sequence; the c. name uses the placement nearest the transcript's 3' end. VCF-style (leftmost placement, unchanged base first): chr3-138092447-TTATC-T. GRCh37 (hg19) VCF-style: chr3-137811289-TTATC-T.
Other names: c.802_805del, p.Asp268fs (NM_001170538.1); short protein forms D268fs.
Identifiers: ClinVar variation 3344999 (VCV003344999.1).